The following is an entry in ClinVar:

NM_001371279.1(REEP1):c.224G>A (p.Trp75Ter)

Gene: REEP1 (receptor accessory protein 1; minus strand). Cytogenetic location: 2p11.2.
Variant type: single nucleotide variant.
Coding change: c.224G>A on transcript NM_001371279.1 (MANE Select); coding-DNA position 224, G replaced by A.
Protein change: p.Trp75Ter; replaces tryptophan 75 with a stop codon.
Molecular consequence: nonsense. On other transcripts: intron variant (1).
Genome position (GRCh38, 1-based): chr2:86,254,773, C>T on the plus strand (G>A on the coding strand, the complement: REEP1 is on the minus strand). VCF-style: chr2-86254773-C-T. GRCh37 (hg19) VCF-style: chr2-86481896-C-T.
Other names: c.245G>A, p.Trp82Ter (NM_001164730.2); c.143G>A, p.Trp48Ter (NM_001164731.2); c.224G>A, p.Trp75Ter (NM_001371280.1, NM_022912.3); c.182+9192G>A (NM_001164732.2); short protein forms W48*, W75*, W82*.
Identifiers: ClinVar variation 1073869 (VCV001073869.7), dbSNP rs2104244665, ClinGen allele CA347717453.
Genomic context (GRCh38, chr2:86,254,773, plus strand): 5'-GTGGGATGTACAAACTTCCTGTACAGGAGGCTGGAGCCTTTTGTGTAGGGAGACAGCAGC[C>T]AGGCTACAAATGCTATTTTTAGTTCATAATAGAATGGAAACCTGGAGAGAGAGATGAAAA-3'

ClinVar aggregate classification (germline): Pathogenic (1 of 4 stars; one submission).

Conditions:
Hereditary spastic paraplegia 31. Also called: SPASTIC PARAPLEGIA 31, AUTOSOMAL DOMINANT. Identifiers: Orphanet 101011, MedGen C1853247, MONDO:0012453, OMIM 610250.

Submission:

Labcorp Genetics (formerly Invitae), Labcorp
Classification: Pathogenic for Hereditary spastic paraplegia 31. Last evaluated: 2018-06-11. Review status: criteria provided, single submitter. Criteria: Invitae Variant Classification Sherloc (09022015). Collection method: clinical testing. Allele origin: germline.
Comment: For these reasons, this variant has been classified as Pathogenic. Loss-of-function variants in REEP1 are known to be pathogenic (PMID: 24098485). This variant has not been reported in the literature in individuals with REEP1-related disease. This variant is not present in population databases (ExAC no frequency). This sequence change creates a premature translational stop signal (p.Trp75*) in the REEP1 gene. It is expected to result in an absent or disrupted protein product.

Literature cited by the submitters: PubMed 24098485.